The following is an entry in ClinVar:

NM_001034853.2(RPGR):c.778+5G>A

Gene: RPGR (retinitis pigmentosa GTPase regulator; minus strand). Cytogenetic location: Xp11.4.
Variant type: single nucleotide variant.
Coding change: c.778+5G>A on transcript NM_001034853.2 (MANE Select); 5 bases into the intron after coding-DNA position 778, G replaced by A.
Molecular consequence: intron variant.
Genome position (GRCh38, 1-based): chrX:38,310,610, C>T on the plus strand (G>A on the coding strand, the complement: RPGR is on the minus strand). VCF-style: chrX-38310610-C-T. GRCh37 (hg19) VCF-style: chrX-38169863-C-T.
Other names: c.775+5G>A (NM_001367249.1, NM_001367250.1, NM_001367245.1); c.778+5G>A (NM_001367251.1, NM_001367246.1, NM_001367247.1 and 1 more transcripts); c.808+5G>A (NM_001367248.1).
Identifiers: ClinVar variation 98801 (VCV000098801.4), dbSNP rs62640583, ClinGen allele CA226445.
Genomic context (GRCh38, chrX:38,310,610, plus strand): 5'-ACATTAAAAAAATTTCATTAGCCACCACAGAACGCAGGGAACAGAACAGTGGACTCCACA[C>T]ATACCCGTGAGAACCACAGTATGCTCTCCACCACAGGCTACTTGGATCACCTTCTCCGGA-3'

ClinVar aggregate classification (germline): Likely pathogenic. Review status: reviewed by expert panel (3 of 4 stars). 4 submissions from 4 submitters: Likely pathogenic (1). 3 of the submissions do not count toward it. Last evaluated 2026-09-26.

Conditions:
RPGR-related retinopathy. Also called: RPGR retinopathy. Identifiers: MedGen CN305589, MONDO:0100437.
RPGR-related disorder. Also called: RPGR-related condition.
Retinal dystrophy. Also called: Inherited retinal dystrophy. Identifiers: Orphanet 71862, MedGen C0854723, MeSH D058499, MONDO:0019118, HP:0000556.

Allele frequency attached by ClinVar (database versions not stated): gnomAD exomes below 0.00001 and 0.00001.

Submissions (4):

ClinGen X-linked Inherited Retinal Disease Variant Curation Expert Panel, ClinGen
Classification: Likely pathogenic for RPGR-related retinopathy. Last evaluated: 2026-09-26. Review status: reviewed by expert panel. Criteria: ClinGen X LinkedIRD ACMG Specifications RPGR V1.0.0. Collection method: curation. Allele origin: germline. Inheritance: X-linked inheritance.
Comment: The NM_001034853.2(RPGR):c.778+5G>A variant is a splice variant motif located 5 nucleotides before exon 7. The splicing impact predictor SpliceAI gives a score of 0.56, which is above the ClinGen X-linked IRD VCEP recommended threshold of ≥0.2 and predicts a damaging impact on splicing (PP3). This variant is present in gnomAD v.4.1.0 at a frequency of 0.000002522 among hemizygous individuals, with 1 variant alleles / 396582 total hemizygous alleles, which is between the ClinGen X-linked IRD VCEP PM2_Supporting and BS1 threshold of 0.0000005 to 0.000005 and fails to meet these criteria. This variant has been reported in at least 2 apparently unrelated probands meeting one of the PS4 requirements of a male with some functional vision impairment by age 30 and/or decreased or absent ERG responses, or a female with functional visual abnormality and documentation of a male relative affected with retinitis pigmentosa (PMIDs: 9399904, 9804156, 11968081, 14566651, 32037395, 41049110, 41615371; PS4_Supporting). The variant has been reported to segregate with retinal dystrophy through father and daughter (PP1_Strong; PMIDs: 9804156, 41615371). In summary, this variant is classified as likely pathogenic for RPGR-related retinopathy based on the ClinGen X-linked Inherited Retinal Disease Expert Panel Specifications to the ACMG/AMP Variant Interpretation Guidelines for RPGR Version 1.0.0: PP3, PS4_Supporting, and PP1_Strong.

Blueprint Genetics
Classification: Pathogenic for RPGR-related disorders. Last evaluated: 2024-01-10. Review status: criteria provided, single submitter. Criteria: ACMG Guidelines, 2015. Collection method: clinical testing. Allele origin: germline. Affected: yes. Observed: 4 variant alleles. Not counted in ClinVar's aggregate classification.

Institute of Human Genetics, Univ. Regensburg, Univ. Regensburg
Classification: Likely pathogenic for Retinal dystrophy. Last evaluated: 2016-01-01. Review status: no assertion criteria provided. Criteria: ACMG Guidelines, 2015. Collection method: clinical testing. Allele origin: germline. Affected: yes. Not counted in ClinVar's aggregate classification.

Retina International
No classification provided. Review status: no classification provided. Collection method: not provided. Allele origin: not provided. Not counted in ClinVar's aggregate classification.